The following is an entry in ClinVar:

ClinVar aggregate classification (germline): Conflicting classifications of pathogenicity. Review status: criteria provided, conflicting classifications (1 of 4 stars). 11 submissions from 11 submitters: Likely pathogenic (5); Uncertain significance (5). 1 of the submissions does not count toward it. Last evaluated 2026-02-05.

Conditions:
ATP7B-related disorder. Also called: ATP7B-related condition.
Wilson disease (WND). Also called: Wilson's disease. Identifiers: Orphanet 905, MedGen C0019202, MONDO:0010200, OMIM 277900. Disease mechanism: loss of function.

Allele frequency attached by ClinVar (database versions not stated): ExAC 0.00002; gnomAD 0.00002; TOPMed 0.00002; gnomAD exomes 0.00004.

Submissions (11):

PreventionGenetics, part of Exact Sciences
Classification: Likely pathogenic for ATP7B-related condition. Last evaluated: 2026-02-05. Review status: criteria provided, single submitter. Criteria: ACMG Guidelines, 2015. Collection method: clinical testing. Allele origin: germline.
Comment: The ATP7B c.3505A>G variant is predicted to result in the amino acid substitution p.Met1169Val. This variant has been reported with a causative variant in multiple individuals with Wilson disease (Weiss et al. 2010. PubMed ID: 20517649; Table S4, Zhang et al. 2022. PubMed ID: 35220961). This variant has also been reported in cohorts of individuals with Wilson disease; however, a second causative variant was either not identified (described as Met1170Val in Thomas et al. 1995. PubMed ID: 7626145) or not able to determine due to limited information (Table S1, Nayagam et al. 2022. PubMed ID: 36096368). At PreventionGenetics, we have reported this variant with a causative variant in two unrelated individuals with clinical features of Wilson disease (Internal Data). A functional study suggests this variant may impair enzyme activity (Hsi et al. 2008. PubMed ID: 18203200). This variant is reported in 0.0078% of alleles in individuals of European (Non-Finnish) descent in gnomAD. An alternate missense change impacting the same amino acid (p.Met1169Thr) has also been reported in individuals with Wilson disease (Loudianos et al. 1999. PubMed ID: 10544227). Taken together, the c.3505A>G (p.Met1169Val) is interpreted as likely pathogenic.

Women's Health and Genetics/Laboratory Corporation of America, LabCorp
Classification: Uncertain significance. Last evaluated: 2026-01-19. Review status: criteria provided, single submitter. Criteria: LabCorp Variant Classification Summary - May 2015. Collection method: clinical testing. Allele origin: germline.
Comment: Variant summary: ATP7B c.3505A>G (p.Met1169Val) results in a conservative amino acid change in the encoded protein sequence. Algorithms developed to predict the effect of missense changes on protein structure and function are either unavailable or do not agree on the potential impact of this missense change. The variant allele was found at a frequency of 4e-05 in 249592 control chromosomes. This frequency is not significantly higher than estimated for disease-causing variants in ATP7B, allowing no conclusion about variant significance. c.3505A>G has been observed in individuals affected with Wilson Disease (Weiss_2010, Thomas_1995, Zhang_2022, Nayagam_2023). These data do not allow any conclusion about variant significance. However, a different missense variant affecting the same codon, c.3506T>C; p.Met1169Thr has been classified as pathogenic by our own lab. At least one publication reports experimental evidence evaluating an impact on protein function (Hsi_2008). The most pronounced variant effect results in about 82% of normal activity. ClinVar contains an entry for this variant (Variation ID: 210485). Based on the evidence outlined above, the variant was classified as VUS-possibly pathogenic.

Natera, Inc.
Classification: Likely pathogenic for Wilson disease. Last evaluated: 2025-06-24. Review status: criteria provided, single submitter. Criteria: Natera Variant Classification Schema (03/2026). Collection method: clinical testing. Allele origin: germline.
Comment: The c.3505A>G variant in ATP7B is a missense variant predicted to cause substitution of methionine to valine at amino acid 1169. This variant is rare in the general population with a frequency below the threshold expected for the associated phenotype(s). This variant has been observed in one or more individuals affected with the associated recessive disease, as either homozygous or compound heterozygous with a second variant (PMID: 35220961, 20517649, 23518715, 38847512). Computational prediction algorithms indicate this variant is likely to affect gene or protein function. Given the available evidence, this variant is classified as Likely Pathogenic.

Color Diagnostics, LLC DBA Color Health
Classification: Uncertain significance for Wilson disease. Last evaluated: 2025-06-05. Review status: criteria provided, single submitter. Criteria: ACMG Guidelines, 2015. Collection method: clinical testing. Allele origin: germline.
Comment: This missense variant replaces methionine with valine at codon 1169 of the ATP7B protein. Computational prediction suggests that this variant may have deleterious impact on protein structure and function. A functional study has shown that this variant causes a mild copper transport deficit (PMID: 18203200). This variant has been reported in individuals affected with Wilson disease (PMID: 18203200, 20517649, 36096368). In one of these probands, this variant co-occurred with a known pathogenic variant p.Asp765Asn (PMID: 20517649). This variant has been identified in 11/280976 chromosomes in the general population by the Genome Aggregation Database (gnomAD). The available evidence is insufficient to determine the role of this variant in disease conclusively. Therefore, this variant is classified as a Variant of Uncertain Significance.

Labcorp Genetics (formerly Invitae), Labcorp
Classification: Uncertain significance for Wilson disease. Last evaluated: 2024-12-12. Review status: criteria provided, single submitter. Criteria: Invitae Variant Classification Sherloc (09022015). Collection method: clinical testing. Allele origin: germline.
Comment: This sequence change replaces methionine, which is neutral and non-polar, with valine, which is neutral and non-polar, at codon 1169 of the ATP7B protein (p.Met1169Val). This variant is present in population databases (rs749085322, gnomAD 0.008%). This missense change has been observed in individual(s) with Wilson disease (PMID: 7626145, 20517649, 35220961, 36096368). ClinVar contains an entry for this variant (Variation ID: 210485). Invitae Evidence Modeling of protein sequence and biophysical properties (such as structural, functional, and spatial information, amino acid conservation, physicochemical variation, residue mobility, and thermodynamic stability) indicates that this missense variant is expected to disrupt ATP7B protein function with a positive predictive value of 80%. Experimental studies have shown that this missense change affects ATP7B function (PMID: 18203200). In summary, the available evidence is currently insufficient to determine the role of this variant in disease. Therefore, it has been classified as a Variant of Uncertain Significance.

All of Us Research Program, National Institutes of Health
Classification: Uncertain significance for Wilson disease. Last evaluated: 2024-09-23. Review status: criteria provided, single submitter. Criteria: ACMG Guidelines, 2015. Collection method: clinical testing. Allele origin: germline. Inheritance: Autosomal recessive inheritance. Observed: 6 variant alleles, 6 heterozygotes.
Comment: This missense variant replaces methionine with valine at codon 1169 of the ATP7B protein. Computational prediction suggests that this variant may have deleterious impact on protein structure and function (internally defined REVEL score threshold >= 0.7, PMID: 27666373). Functional studies have shown that this variant causes a mild copper transport deficit (PMID: 18203200). This variant has been reported in individuals affected with Wilson disease (PMID: 18203200, 20517649, 36096368). This variant has been identified in 11/280976 chromosomes in the general population by the Genome Aggregation Database (gnomAD). The available evidence is insufficient to determine the role of this variant in disease conclusively. Therefore, this variant is classified as a Variant of Uncertain Significance.

This study involves interpretation of variants in research participants for the purpose of population health screening. Participant phenotype was not available at the time of variant classification. Additional details can be found in publication PMID: 35346344, PMCID: PMC8962531

Fulgent Genetics
Classification: Likely pathogenic for Wilson disease. Last evaluated: 2024-03-01. Review status: criteria provided, single submitter. Criteria: ACMG Guidelines, 2015. Collection method: clinical testing. Allele origin: germline.

Mayo Clinic Laboratories, Mayo Clinic
Classification: Likely pathogenic. Last evaluated: 2024-02-23. Review status: criteria provided, single submitter. Criteria: ACMG Guidelines, 2015. Collection method: clinical testing. Allele origin: germline. Observed: 1 variant allele.
Comment: PP3, PM2, PM3, PS3_moderate

Revvity Omics, Revvity
Classification: Uncertain significance for Wilson disease. Last evaluated: 2024-01-19. Review status: criteria provided, single submitter. Criteria: ACMG Guidelines, 2015. Collection method: clinical testing. Allele origin: germline.

Genetic Services Laboratory, University of Chicago
Classification: Likely pathogenic for Wilson disease. Last evaluated: 2014-10-28. Review status: criteria provided, single submitter. Criteria: ACMG Guidelines, 2015. Collection method: clinical testing. Allele origin: germline. Affected: yes.

Zotz-Klimas Genetics Lab, MVZ Zotz Klimas
Classification: Uncertain significance for Wilson disease. Last evaluated: 2023-10-30. Review status: no assertion criteria provided. Collection method: clinical testing. Allele origin: germline. Affected: yes. Not counted in ClinVar's aggregate classification.

Literature cited by the submitters: PubMed 7626145 (cited by 3 submitters); PubMed 20517649 (cited by 6 submitters); PubMed 22692182 (cited by Women's Health and Genetics/Laboratory Corporation of America, LabCorp and Mayo Clinic Laboratories, Mayo Clinic); PubMed 18203200 (cited by 5 submitters); PubMed 35220961 (cited by 4 submitters); PubMed 36096368 (cited by 5 submitters); PubMed 23518715 (cited by Natera, Inc.); PubMed 38847512 (cited by Natera, Inc.); PubMed 17680703 (cited by Mayo Clinic Laboratories, Mayo Clinic); PubMed 27592149 (cited by Mayo Clinic Laboratories, Mayo Clinic).

NM_000053.4(ATP7B):c.3505A>G (p.Met1169Val)

Gene: ATP7B (ATPase copper transporting beta; minus strand). Cytogenetic location: 13q14.3.
Variant type: single nucleotide variant.
Coding change: c.3505A>G on transcript NM_000053.4 (MANE Select); coding-DNA position 3505, A replaced by G.
Protein change: p.Met1169Val; replaces methionine 1169 with valine.
Molecular consequence: missense variant.
Genome position (GRCh38, 1-based): chr13:51,941,132, T>C on the plus strand (A>G on the coding strand, the complement: ATP7B is on the minus strand). VCF-style: chr13-51941132-T-C. GRCh37 (hg19) VCF-style: chr13-52515268-T-C.
Other names: c.2884A>G, p.Met962Val (NM_001005918.3); c.3172A>G, p.Met1058Val (NM_001243182.2); c.3271A>G, p.Met1091Val (NM_001330578.2); c.3253A>G, p.Met1085Val (NM_001330579.2); short protein forms M1169V, M962V, M1058V, M1091V, M1085V.
Identifiers: ClinVar variation 210485 (VCV000210485.19), dbSNP rs749085322, ClinGen allele CA277193.